The following is an entry in ClinVar:

ClinVar aggregate classification (germline): Uncertain significance (1 of 4 stars; one submission).

Conditions:
Hereditary cancer-predisposing syndrome. Also called: Neoplastic Syndromes, Hereditary; Tumor predisposition; Hereditary neoplastic syndrome; Hereditary Cancer Syndrome. Identifiers: Orphanet 140162, MedGen C0027672, MeSH D009386, MONDO:0015356.

Submission:

Ambry Genetics
Classification: Uncertain significance for Hereditary cancer-predisposing syndrome. Last evaluated: 2023-12-15. Review status: criteria provided, single submitter. Criteria: Ambry Variant Classification Scheme 2023. Collection method: clinical testing. Allele origin: germline.
Comment: The p.A2584E variant (also known as c.7751C>A), located in coding exon 15 of the APC gene, results from a C to A substitution at nucleotide position 7751. The alanine at codon 2584 is replaced by glutamic acid, an amino acid with dissimilar properties. This amino acid position is conserved. In addition, in silico predictors for this gene do not accurately predict pathogenicity. Since supporting evidence is limited at this time, the clinical significance of this alteration remains unclear.

NM_000038.6(APC):c.7751C>A (p.Ala2584Glu)

Gene: APC (APC regulator of Wnt signaling pathway; plus strand). Cytogenetic location: 5q22.2.
Variant type: single nucleotide variant.
Coding change: c.7751C>A on transcript NM_000038.6 (MANE Select); coding-DNA position 7751, C replaced by A.
Protein change: p.Ala2584Glu; replaces alanine 2584 with glutamic acid.
Molecular consequence: missense variant. On other transcripts: non-coding transcript variant (2).
Genome position (GRCh38, 1-based): chr5:112,843,345, C>A. VCF-style: chr5-112843345-C-A. GRCh37 (hg19) VCF-style: chr5-112179042-C-A.
Other names: c.7751C>A, p.Ala2584Glu (NM_001127510.3, NM_001354895.2, NM_001407450.1); c.7697C>A, p.Ala2566Glu (NM_001127511.3); c.7805C>A, p.Ala2602Glu (NM_001354896.2, NM_001407447.1, NM_001407448.1 and 1 more transcripts); c.7781C>A, p.Ala2594Glu (NM_001354897.2); c.7676C>A, p.Ala2559Glu (NM_001354898.2); c.7667C>A, p.Ala2556Glu (NM_001354899.2); c.7628C>A, p.Ala2543Glu (NM_001354900.2); c.7574C>A, p.Ala2525Glu (NM_001354901.2, NM_001407453.1); and 11 more; short protein forms A2200E, A2301E, A2424E, A2455E, A2458E, A2483E, A2493E, A2501E.
Identifiers: ClinVar variation 3231475 (VCV003231475.1), dbSNP rs1266989504, ClinGen allele CA16038166.
Genomic context (GRCh38, chr5:112,843,345, plus strand): 5'-GGAGAAGAACTGGAAGTTCATCTTCAATTCTTTCTGCTTCATCAGAATCCAGTGAAAAAG[C>A]AAAAAGTGAGGATGAAAAACATGTGAACTCTATTTCAGGAACCAAACAAAGTAAAGAAAA-3'
Protein context (NP_000029.2, residues 2574-2594): LSASSESSEK[Ala2584Glu]KSEDEKHVNS